The following is an entry in ClinVar:

ClinVar aggregate classification (germline): Pathogenic/Likely pathogenic. Review status: criteria provided, multiple submitters, no conflicts (2 of 4 stars). 3 submissions from 3 submitters: Pathogenic (2); Likely pathogenic (1). Last evaluated 2026-01-28.

Conditions:
Retinoblastoma (RB1). Also called: RETINOBLASTOMA, SOMATIC. Identifiers: Orphanet 790, MedGen C0035335, MeSH D012175, MONDO:0008380, OMIM 180200, HP:0009919. Disease mechanism: loss of function. Inheritance: Both sporadic and heritable forms are tested..

Submissions (3):

GeneDx
Classification: Pathogenic. Last evaluated: 2026-01-28. Review status: criteria provided, single submitter. Criteria: GeneDx Variant Classification Process June 2021. Collection method: clinical testing. Allele origin: germline.
Comment: RNA studies demonstrate a damaging effect: aberrant splicing resulting in the loss of exon 23 (PMID: 27879208); Not observed at significant frequency in large population cohorts (gnomAD); This variant is associated with the following publications: (PMID: 24225018, 34190019, 27879208)

Labcorp Genetics (formerly Invitae), Labcorp
Classification: Pathogenic for Retinoblastoma. Last evaluated: 2025-02-09. Review status: criteria provided, single submitter. Criteria: Invitae Variant Classification Sherloc (09022015). Collection method: clinical testing. Allele origin: germline.
Comment: This sequence change affects codon 888 of the RB1 mRNA. It is a 'silent' change, meaning that it does not change the encoded amino acid sequence of the RB1 protein. RNA analysis indicates that this variant induces altered splicing and may result in an absent or altered protein product. This variant is not present in population databases (gnomAD no frequency). This variant has been observed in individual(s) with retinoblastoma (PMID: 24225018, 27879208, 34190019; internal data). ClinVar contains an entry for this variant (Variation ID: 527935). An algorithm developed to predict the effect of missense changes on protein structure and function (PolyPhen-2) suggests that this variant is likely to be disruptive. Variants that disrupt the consensus splice site are a relatively common cause of aberrant splicing (PMID: 17576681, 9536098). Studies have shown that this variant results in skipping of exon 25, and produces a non-functional protein and/or introduces a premature termination codon (PMID: 27879208). For these reasons, this variant has been classified as Pathogenic.

Arcensus
Classification: Likely pathogenic for Retinoblastoma. Last evaluated: 2013-02-01. Review status: criteria provided, single submitter. Criteria: ACMG Guidelines, 2015. Collection method: clinical testing. Allele origin: germline. Affected: yes.

Literature cited by the submitters: PubMed 24225018 (cited by Labcorp Genetics (formerly Invitae), Labcorp); PubMed 27879208 (cited by Labcorp Genetics (formerly Invitae), Labcorp); PubMed 34190019 (cited by Labcorp Genetics (formerly Invitae), Labcorp); PubMed 17576681 (cited by Labcorp Genetics (formerly Invitae), Labcorp); PubMed 9536098 (cited by Labcorp Genetics (formerly Invitae), Labcorp).

NM_000321.3(RB1):c.2663G>A (p.Ser888Asn)

Gene: RB1 (RB transcriptional corepressor 1; plus strand). Cytogenetic location: 13q14.2.
Variant type: single nucleotide variant.
Coding change: c.2663G>A on transcript NM_000321.3 (MANE Select); coding-DNA position 2663, G replaced by A.
Protein change: p.Ser888Asn; replaces serine 888 with asparagine.
Molecular consequence: missense variant.
Genome position (GRCh38, 1-based): chr13:48,476,843, G>A. VCF-style: chr13-48476843-G-A. GRCh37 (hg19) VCF-style: chr13-49050979-G-A.
Other names: short protein forms S888N.
Identifiers: ClinVar variation 527935 (VCV000527935.24), dbSNP rs1555295354, ClinGen allele CA388157668.